The following is an entry in ClinVar:

ClinVar aggregate classification (germline): Likely benign (0 of 4 stars; one submission).

Conditions:
APCDD1-related disorder. Also called: APCDD1-related condition.

Submission:

PreventionGenetics, part of Exact Sciences
Classification: Likely benign for APCDD1-related condition. Last evaluated: 2022-02-18. Review status: no assertion criteria provided. Collection method: clinical testing. Allele origin: germline.
Comment: This variant is classified as likely benign based on ACMG/AMP sequence variant interpretation guidelines (Richards et al. 2015 PMID: 25741868, with internal and published modifications).

NM_153000.5(APCDD1):c.574GAG[1] (p.Glu193del)

Gene: APCDD1 (APC down-regulated 1; plus strand). Cytogenetic location: 18p11.22.
Variant type: Microsatellite.
Coding change: c.574GAG[1] on transcript NM_153000.5 (MANE Select); one copy of the 3-base unit GAG starting at c.574; the reference has two copies in a row; one copy, 3 bases deleted.
Protein change: p.Glu193del; deletes glutamic acid 193.
Genome position (GRCh38, 1-based): chr18:10,471,864-10,471,866, GAG deleted; deleting any 3 consecutive bases within chr18:10,471,861-10,471,866 gives the same sequence; the position shown is the placement nearest the transcript's 3' end. VCF-style (leftmost placement, unchanged base first): chr18-10471860-AGAG-A. GRCh37 (hg19) VCF-style: chr18-10471857-AGAG-A.
Other names: short protein forms E193del.
Identifiers: ClinVar variation 3050927 (VCV003050927.2), dbSNP rs563904768, ClinGen allele CA8891054.
Genomic context (GRCh38, chr18:10,471,860, plus strand): 5'-CCCGGGCTTCCTCGCAGACGGGGGTCCCTGGGTGCAGGACGTGGCCTATGACCTCTGGCG[AGAG>A]GAGAACGGCTGTGAGTGCACCAAGGCCGTGAACTTTGCCATGCATGAACTTCAGCTCATC-3'